The following is an entry in ClinVar:

NM_000303.3(PMM2):c.97C>T (p.Gln33Ter)

Gene: PMM2 (phosphomannomutase 2; plus strand). Cytogenetic location: 16p13.2.
Variant type: single nucleotide variant.
Coding change: c.97C>T on transcript NM_000303.3 (MANE Select); coding-DNA position 97, C replaced by T.
Protein change: p.Gln33Ter; replaces glutamine 33 with a stop codon.
Molecular consequence: nonsense.
Genome position (GRCh38, 1-based): chr16:8,801,829, C>T. VCF-style: chr16-8801829-C-T. GRCh37 (hg19) VCF-style: chr16-8895686-C-T.
Other names: c.97C>T (NM_000303.2); short protein forms Q33*.
Identifiers: ClinVar variation 803211 (VCV000803211.22), dbSNP rs149530060, ClinGen allele CA7893888.

ClinVar aggregate classification (germline): Pathogenic. Review status: criteria provided, multiple submitters, no conflicts (2 of 4 stars). 9 submissions from 9 submitters: Pathogenic (8). 1 of the submissions does not count toward it. Last evaluated 2026-04-10.

Conditions:
PMM2-congenital disorder of glycosylation. Also called: PMM2-CDG; CDG Ia; Congenital disorder of glycosylation, type Ia; JAEKEN SYNDROME; PHOSPHOMANNOMUTASE 2 DEFICIENCY; CARBOHYDRATE-DEFICIENT GLYCOPROTEIN SYNDROME, TYPE Ia. Identifiers: Orphanet 79318, MedGen C0349653, MONDO:0008907, OMIM 212065.
PMM2-related disorder. Also called: PMM2-related condition.

Allele frequency attached by ClinVar (database versions not stated): ExAC 0.00001; gnomAD exomes 0.00001; TOPMed 0.00005; ESP Exome Variant Server 0.00008.
gnomAD v4.1: 11 of 1,611,042 alleles (0.00068%); highest among the groups gnomAD compares: Admixed American, 0.0017%; no homozygotes.

Submissions (9):

Dasa
Classification: Pathogenic. Last evaluated: 2026-04-10. Review status: criteria provided, single submitter. Criteria: DASA Assertion Criteria. Collection method: clinical testing. Allele origin: germline.
Comment: NM_000303.3(PMM2):c.97C>T (p.Gln33*) introduces a premature termination codon predicted to result in loss of normal protein function. Loss-of-function is an established mechanism of disease for this gene. This variant has been recurrently observed in individuals with related phenotype (PMID: 28139241; PMID: 35279850). The variant is present at low frequency in population datasets. Based on the available data, this variant is classified as pathogenic.

Labcorp Genetics (formerly Invitae), Labcorp
Classification: Pathogenic for PMM2-congenital disorder of glycosylation. Last evaluated: 2025-11-08. Review status: criteria provided, single submitter. Criteria: Invitae Variant Classification Sherloc (09022015). Collection method: clinical testing. Allele origin: germline.
Comment: This sequence change creates a premature translational stop signal (p.Gln33*) in the PMM2 gene. It is expected to result in an absent or disrupted protein product. Loss-of-function variants in PMM2 are known to be pathogenic (PMID: 19862844). This variant is present in population databases (rs149530060, gnomAD 0.01%). This premature translational stop signal has been observed in individual(s) with PMM2-congenital disorder of glycosylation (PMID: 28139241). ClinVar contains an entry for this variant (Variation ID: 803211). For these reasons, this variant has been classified as Pathogenic.

Natera, Inc.
Classification: Pathogenic for Congenital disorder of glycosylation type 1a. Last evaluated: 2025-05-19. Review status: criteria provided, single submitter. Criteria: Natera Variant Classification Schema (03/2026). Collection method: clinical testing. Allele origin: germline.
Comment: The c.97C>T variant in PMM2 is a nonsense variant predicted to introduce a stop codon at amino acid 33. This variant is expected to result in nonsense mediated decay, truncation, or a dysfunctional protein product. This variant is rare in the general population with a frequency below the threshold expected for the associated phenotype(s). This variant has been observed in one or more individuals affected with the associated recessive disease, as either homozygous or compound heterozygous with a second variant (PMID: 35279850). Given the available evidence, this variant is classified as Pathogenic.

Laboratorio de Genetica e Diagnostico Molecular, Hospital Israelita Albert Einstein
Classification: Pathogenic for PMM2-congenital disorder of glycosylation. Last evaluated: 2025-02-26. Review status: criteria provided, single submitter. Criteria: ACMG Guidelines, 2015. Collection method: clinical testing. Allele origin: germline. Affected: yes.
Comment: ACMG classification criteria: PVS1 very strong, PM2 supporting, PM3 moderate

Fulgent Genetics
Classification: Pathogenic for PMM2-congenital disorder of glycosylation. Last evaluated: 2024-04-09. Review status: criteria provided, single submitter. Criteria: ACMG Guidelines, 2015. Collection method: clinical testing. Allele origin: germline.

GeneDx
Classification: Pathogenic. Last evaluated: 2023-09-27. Review status: criteria provided, single submitter. Criteria: GeneDx Variant Classification Process June 2021. Collection method: clinical testing. Allele origin: germline. Affected: yes.
Comment: Nonsense variant predicted to result in protein truncation or nonsense mediated decay in a gene for which loss of function is a known mechanism of disease; Not observed at significant frequency in large population cohorts (gnomAD); This variant is associated with the following publications: (PMID: 26014514, 28139241, 35279850)

Women's Health and Genetics/Laboratory Corporation of America, LabCorp
Classification: Pathogenic for PMM2-congenital disorder of glycosylation. Last evaluated: 2023-08-02. Review status: criteria provided, single submitter. Criteria: LabCorp Variant Classification Summary - May 2015. Collection method: clinical testing. Allele origin: germline.
Comment: Variant summary: PMM2 c.97C>T (p.Gln33X) results in a premature termination codon, predicted to cause absence of the protein due to nonsense mediated decay, a commonly known mechanism for disease. The variant allele was found at a frequency of 1.2e-05 in 248656 control chromosomes (gnomAD). c.97C>T has been reported in the literature in at least one individual affected with Congenital Disorder Of Glycosylation Type 1a (e.g. Perez-Cerda_2017). These data indicate that the variant is likely associated with disease. The following publication has been ascertained in the context of this evaluation (PMID: 28139241). Four submitters have cited clinical-significance assessments for this variant to ClinVar after 2014. All submitters classified the variant as pathogenic (n=3)/likely pathogenic (n=1). Based on the evidence outlined above, the variant was classified as pathogenic.

Mendelics
Classification: Pathogenic for PMM2-congenital disorder of glycosylation. Last evaluated: 2019-05-28. Review status: criteria provided, single submitter. Criteria: Mendelics Assertion Criteria 2017. Collection method: clinical testing. Allele origin: unknown.

PreventionGenetics, part of Exact Sciences
Classification: Pathogenic for PMM2-related condition. Last evaluated: 2024-02-23. Review status: no assertion criteria provided. Collection method: clinical testing. Allele origin: germline. Not counted in ClinVar's aggregate classification.
Comment: The PMM2 c.97C>T variant is predicted to result in premature protein termination (p.Gln33*). This variant was reported in individuals with congenital disorder of glycosylation (see, for example, Pérez-Cerdá et al. 2017. PubMed ID: 28139241). This variant is reported in 0.0099% of alleles in individuals of Ashkenazi Jewish descent in gnomAD. Nonsense variants in PMM2 are expected to be pathogenic. This variant is interpreted as pathogenic.

Literature cited by the submitters: PubMed 28139241 (cited by 3 submitters); PubMed 35279850 (cited by Dasa and Natera, Inc.); PubMed 19862844 (cited by Labcorp Genetics (formerly Invitae), Labcorp).